The following is an entry in ClinVar:

NM_001349253.2(SCN11A):c.3956G>A (p.Gly1319Asp)

Gene: SCN11A (sodium voltage-gated channel alpha subunit 11; minus strand). Cytogenetic location: 3p22.2.
Variant type: single nucleotide variant.
Coding change: c.3956G>A on transcript NM_001349253.2 (MANE Select); coding-DNA position 3956, G replaced by A.
Protein change: p.Gly1319Asp; replaces glycine 1319 with aspartic acid.
Molecular consequence: missense variant.
Genome position (GRCh38, 1-based): chr3:38,863,295, C>T on the plus strand (G>A on the coding strand, the complement: SCN11A is on the minus strand). VCF-style: chr3-38863295-C-T. GRCh37 (hg19) VCF-style: chr3-38904786-C-T.
Other names: c.3956G>A, p.Gly1319Asp (NM_014139.3); short protein forms G1319D.
Identifiers: ClinVar variation 2930915 (VCV002930915.3), dbSNP rs2471008866, ClinGen allele CA352168306.
Genomic context (GRCh38, chr3:38,863,295, plus strand): 5'-AATTTTTTCATTGCATTATAGTATTTCTTCTGTTCTTCTGTCATAAAAATGTCTTGGCCA[C>T]CTAAGTATATGGAGAAGATAAGAGCTAATTACCTTTAACAGTTTTTTTTTTAATCTAGTT-3'
Protein context (NP_001336182.1, residues 1309-1329): DNFNQQQKKL[Gly1319Asp]GQDIFMTEEQ

ClinVar aggregate classification (germline): Uncertain significance (1 of 4 stars; one submission).

Conditions:
Hereditary sensory and autonomic neuropathy type 7. Also called: HSAN VII; Neuropathy, hereditary sensory and autonomic, type VII. Identifiers: Orphanet 391397, MedGen C3809882, MONDO:0014244, OMIM 615548.
Familial episodic pain syndrome with predominantly lower limb involvement. Also called: Episodic pain syndrome, familial, 3. Identifiers: Orphanet 391384, Orphanet 391392, MedGen C3809899, MONDO:0014247, OMIM 615552.

Submission:

Labcorp Genetics (formerly Invitae), Labcorp
Classification: Uncertain significance for Familial episodic pain syndrome with predominantly lower limb involvement; Hereditary sensory and autonomic neuropathy type 7. Last evaluated: 2023-10-04. Review status: criteria provided, single submitter. Criteria: Invitae Variant Classification Sherloc (09022015). Collection method: clinical testing. Allele origin: germline.
Comment: This sequence change replaces glycine, which is neutral and non-polar, with aspartic acid, which is acidic and polar, at codon 1319 of the SCN11A protein (p.Gly1319Asp). This variant is not present in population databases (gnomAD no frequency). This variant has not been reported in the literature in individuals affected with SCN11A-related conditions. Advanced modeling of protein sequence and biophysical properties (such as structural, functional, and spatial information, amino acid conservation, physicochemical variation, residue mobility, and thermodynamic stability) performed at Invitae indicates that this missense variant is not expected to disrupt SCN11A protein function. Algorithms developed to predict the effect of sequence changes on RNA splicing suggest that this variant may disrupt the consensus splice site. In summary, the available evidence is currently insufficient to determine the role of this variant in disease. Therefore, it has been classified as a Variant of Uncertain Significance.